The following is an entry in ClinVar:

NM_012156.2(EPB41L1):c.740C>G (p.Thr247Ser)

Gene: EPB41L1 (erythrocyte membrane protein band 4.1 like 1; plus strand). Cytogenetic location: 20q11.23.
Variant type: single nucleotide variant.
Coding change: c.740C>G on transcript NM_012156.2 (MANE Select); coding-DNA position 740, C replaced by G.
Protein change: p.Thr247Ser; replaces threonine 247 with serine.
Molecular consequence: missense variant.
Genome position (GRCh38, 1-based): chr20:36,185,290, C>G. VCF-style: chr20-36185290-C-G. GRCh37 (hg19) VCF-style: chr20-34773212-C-G.
Other names: c.554C>G, p.Thr185Ser (NM_001424390.1, NM_001424391.1, NM_001424392.1 and 19 more transcripts); c.740C>G, p.Thr247Ser (NM_001424395.1, NM_001424396.1, NM_001424397.1 and 13 more transcripts); c.647C>G, p.Thr216Ser (NM_001258330.1); short protein forms T247S, T185S, T216S.
Identifiers: ClinVar variation 2599671 (VCV002599671.26), dbSNP rs376321014, ClinGen allele CA314219528.
Genomic context (GRCh38, chr20:36,185,290, plus strand): 5'-ATGATGCTGAGGAGCATGTGGGCAACTATGTCAGCGAGCTCCGCTTCGCCCCTAACCAGA[C>G]CCGGGAGCTGGAGGAGAGGATCATGGAGCTGCATAAGACATATAGGTAAGAGGGTGCCAG-3'
Protein context (NP_036288.2, residues 237-257): VSELRFAPNQ[Thr247Ser]RELEERIMEL

ClinVar aggregate classification (germline): Uncertain significance. Review status: criteria provided, multiple submitters, no conflicts (2 of 4 stars). 2 submissions from 2 submitters: Uncertain significance (2). Last evaluated 2023-10-01.

Allele frequency attached by ClinVar (database versions not stated): gnomAD 0.00001; TOPMed 0.00002; gnomAD exomes 0.00003; ESP Exome Variant Server 0.00008.
gnomAD v4.1: 41 of 1,613,560 alleles (0.0025%); highest among the groups gnomAD compares: Non-Finnish European, 0.0035%; no homozygotes.

Submissions (2):

CeGaT Center for Human Genetics Tuebingen
Classification: Uncertain significance. Last evaluated: 2023-10-01. Review status: criteria provided, single submitter. Criteria: CeGaT Center For Human Genetics Tuebingen Variant Classification Criteria Version 2. Collection method: clinical testing. Allele origin: germline. Affected: yes. Observed: 1 variant allele.
Comment: EPB41L1: PP3

Ambry Genetics
Classification: Uncertain significance. Last evaluated: 2023-08-18. Review status: criteria provided, single submitter. Criteria: Ambry Variant Classification Scheme 2023. Collection method: clinical testing. Allele origin: germline.